The following is an entry in ClinVar:

ClinVar aggregate classification (germline): Likely benign. Review status: criteria provided, multiple submitters, no conflicts (2 of 4 stars). 3 submissions from 3 submitters: Likely benign (3). Last evaluated 2025-08-20.

Conditions:
Early-infantile DEE. Also called: Early infantile epileptic encephalopathy with suppression bursts; Ohtahara syndrome; Early infantile epileptic encephalopathy. Identifiers: Orphanet 1934, MedGen C0393706, MONDO:0800491.

Allele frequency attached by ClinVar (database versions not stated): gnomAD 0.00003 and 0.00004; TOPMed 0.00004; gnomAD exomes 0.00006; ExAC 0.00009.
gnomAD v4.1: 60 of 1,552,130 alleles (0.0039%); highest among the groups gnomAD compares: Middle Eastern, 0.05%; no homozygotes.

Submissions (3):

Labcorp Genetics (formerly Invitae), Labcorp
Classification: Likely benign for Early-infantile DEE. Last evaluated: 2025-08-20. Review status: criteria provided, single submitter. Criteria: Invitae Variant Classification Sherloc (09022015). Collection method: clinical testing. Allele origin: germline.

CeGaT Center for Human Genetics Tuebingen
Classification: Likely benign. Last evaluated: 2023-02-01. Review status: criteria provided, single submitter. Criteria: CeGaT Center For Human Genetics Tuebingen Variant Classification Criteria Version 2. Collection method: clinical testing. Allele origin: germline. Affected: yes. Observed: 2 variant alleles.
Comment: CACNA2D2: BP4, BP7

Genetic Services Laboratory, University of Chicago
Classification: Likely benign. Last evaluated: 2016-08-08. Review status: criteria provided, single submitter. Criteria: ACMG Guidelines, 2015. Collection method: clinical testing. Allele origin: germline. Affected: no.

NM_006030.4(CACNA2D2):c.1365C>T (p.Ile455=)

Gene: CACNA2D2 (calcium voltage-gated channel auxiliary subunit alpha2delta 2; minus strand). Cytogenetic location: 3p21.31.
Variant type: single nucleotide variant.
Coding change: c.1365C>T on transcript NM_006030.4 (MANE Select); coding-DNA position 1365, C replaced by T.
Protein change: p.Ile455=; no amino-acid change (isoleucine 455 retained).
Molecular consequence: synonymous variant.
Genome position (GRCh38, 1-based): chr3:50,378,308, G>A on the plus strand (C>T on the coding strand, the complement: CACNA2D2 is on the minus strand). VCF-style: chr3-50378308-G-A. GRCh37 (hg19) VCF-style: chr3-50415739-G-A.
Other names: c.1365C>T, p.Ile455= (NM_001005505.3, NM_001174051.3); c.1158C>T, p.Ile386= (NM_001291101.1).
Identifiers: ClinVar variation 434562 (VCV000434562.39), dbSNP rs760989430, ClinGen allele CA2418881.